The following is an entry in ClinVar:

NM_002500.5(NEUROD1):c.620T>C (p.Leu207Pro)

Gene: NEUROD1 (neuronal differentiation 1; minus strand). Cytogenetic location: 2q31.3.
Variant type: single nucleotide variant.
Coding change: c.620T>C on transcript NM_002500.5 (MANE Select); coding-DNA position 620, T replaced by C.
Protein change: p.Leu207Pro; replaces leucine 207 with proline.
Molecular consequence: missense variant.
Genome position (GRCh38, 1-based): chr2:181,678,241, A>G on the plus strand (T>C on the coding strand, the complement: NEUROD1 is on the minus strand). VCF-style: chr2-181678241-A-G. GRCh37 (hg19) VCF-style: chr2-182542968-A-G.
Other names: short protein forms L207P.
Identifiers: ClinVar variation 2023258 (VCV002023258.5), dbSNP rs2468610018, ClinGen allele CA349783736.

ClinVar aggregate classification (germline): Uncertain significance. Review status: criteria provided, multiple submitters, no conflicts (2 of 4 stars). 2 submissions from 2 submitters: Uncertain significance (2). Last evaluated 2024-06-01.

Conditions:
Type 2 diabetes mellitus. Also called: Type II diabetes mellitus. Identifiers: MedGen C0011860, MeSH D003924, MONDO:0005148, OMIM 125853, HP:0005978.
Maturity-onset diabetes of the young type 6 (MODY6). Identifiers: Orphanet 552, MedGen C1853371, MONDO:0011668, OMIM 606394.

Allele frequency attached by ClinVar (database versions not stated): gnomAD exomes below 0.00001.

Submissions (2):

Fulgent Genetics
Classification: Uncertain significance for Type 2 diabetes mellitus; Maturity-onset diabetes of the young type 6. Last evaluated: 2024-06-01. Review status: criteria provided, single submitter. Criteria: ACMG Guidelines, 2015. Collection method: clinical testing. Allele origin: germline.

Labcorp Genetics (formerly Invitae), Labcorp
Classification: Uncertain significance. Last evaluated: 2022-06-05. Review status: criteria provided, single submitter. Criteria: Invitae Variant Classification Sherloc (09022015). Collection method: clinical testing. Allele origin: germline.
Comment: In summary, the available evidence is currently insufficient to determine the role of this variant in disease. Therefore, it has been classified as a Variant of Uncertain Significance. Algorithms developed to predict the effect of missense changes on protein structure and function are either unavailable or do not agree on the potential impact of this missense change (SIFT: "Deleterious"; PolyPhen-2: "Benign"; Align-GVGD: "Class C45"). This variant has not been reported in the literature in individuals affected with NEUROD1-related conditions. This variant is not present in population databases (gnomAD no frequency). This sequence change replaces leucine, which is neutral and non-polar, with proline, which is neutral and non-polar, at codon 207 of the NEUROD1 protein (p.Leu207Pro).